The following is an entry in ClinVar:

ClinVar aggregate classification (germline): Uncertain significance (1 of 4 stars; one submission).

Allele frequency attached by ClinVar (database versions not stated): gnomAD exomes below 0.00001; gnomAD 0.00002; TOPMed 0.00002; ExAC 0.00003.
gnomAD v4.1: 10 of 1,608,050 alleles (0.00062%); highest among the groups gnomAD compares: Admixed American, 0.0033%; no homozygotes.

Submission:

Labcorp Genetics (formerly Invitae), Labcorp
Classification: Uncertain significance. Last evaluated: 2022-08-31. Review status: criteria provided, single submitter. Criteria: Invitae Variant Classification Sherloc (09022015). Collection method: clinical testing. Allele origin: germline.
Comment: This sequence change falls in intron 18 of the PCNT gene. It does not directly change the encoded amino acid sequence of the PCNT protein. This variant is present in population databases (rs757274485, gnomAD 0.008%). This variant has not been reported in the literature in individuals affected with PCNT-related conditions. Algorithms developed to predict the effect of sequence changes on RNA splicing suggest that this variant may create or strengthen a splice site. In summary, the available evidence is currently insufficient to determine the role of this variant in disease. Therefore, it has been classified as a Variant of Uncertain Significance.

NM_006031.6(PCNT):c.3608-20G>A

Gene: PCNT (pericentrin; plus strand). Cytogenetic location: 21q22.3.
Variant type: single nucleotide variant.
Coding change: c.3608-20G>A on transcript NM_006031.6 (MANE Select); 20 bases into the intron before coding-DNA position 3608, G replaced by A.
Molecular consequence: intron variant.
Genome position (GRCh38, 1-based): chr21:46,389,179, G>A. VCF-style: chr21-46389179-G-A. GRCh37 (hg19) VCF-style: chr21-47809094-G-A.
Other names: c.3254-20G>A (NM_001315529.2).
Identifiers: ClinVar variation 1937768 (VCV001937768.2), dbSNP rs757274485, ClinGen allele CA10079393.
Genomic context (GRCh38, chr21:46,389,179, plus strand): 5'-CTTCCTTGTCGTCTTGGCTGCCATGGCCGCGGCCGGCTTGCTCACTGAGCCGCGTGTGCC[G>A]GCATCTGCTCATCTTGTAGCTCCGGCGCTGGAGGAGACATGGTCTGATGTGGCCCTCCCG-3'